The following is an entry in ClinVar:

NM_007078.3(LDB3):c.2134AAG[1] (p.Lys713del)

Gene: LDB3 (LIM domain binding 3; plus strand). Cytogenetic location: 10q23.2.
Variant type: Microsatellite.
Coding change: c.2134AAG[1] on transcript NM_007078.3 (MANE Select); one copy of the 3-base unit AAG starting at c.2134; the reference has two copies in a row; one copy, 3 bases deleted.
Protein change: p.Lys713del; deletes lysine 713.
Molecular consequence: inframe deletion. On other transcripts: inframe indel (2).
Genome position (GRCh38, 1-based): chr10:86,732,929-86,732,931, AAG deleted; deleting any 3 consecutive bases within chr10:86,732,926-86,732,931 gives the same sequence; the position shown is the placement nearest the transcript's 3' end. VCF-style (leftmost placement, unchanged base first): chr10-86732925-CAAG-C. GRCh37 (hg19) VCF-style: chr10-88492682-CAAG-C.
Other names: c.1804AAG[1], p.Lys603del (NM_001080114.2); c.2149AAG[1], p.Lys718del (NM_001171610.2); c.1945AAG[1], p.Lys650del (NM_001368064.1, NM_001368065.1); c.1993AAG[1], p.Lys666del (NM_001368066.1); c.2134_2136AAG[1], p.Lys713del (NM_007078.2); c.2137_2139delAAG (NM_007078.2); short protein forms K718del, K603del, K666del, K713del, K650del.
Identifiers: ClinVar variation 1786488 (VCV001786488.7), dbSNP rs755424680, ClinGen allele CA5585367.

ClinVar aggregate classification (germline): Uncertain significance. Review status: criteria provided, multiple submitters, no conflicts (2 of 4 stars). 2 submissions from 2 submitters: Uncertain significance (2). Last evaluated 2024-02-29.

Conditions:
Cardiovascular phenotype. Identifiers: MedGen CN230736.
Myofibrillar myopathy 4. Also called: Zaspopathy (type). Identifiers: Orphanet 98912, MedGen C4721886, MONDO:0012277, OMIM 609452.

Submissions (2):

Labcorp Genetics (formerly Invitae), Labcorp
Classification: Uncertain significance for Myofibrillar myopathy 4. Last evaluated: 2024-02-29. Review status: criteria provided, single submitter. Criteria: Invitae Variant Classification Sherloc (09022015). Collection method: clinical testing. Allele origin: germline.
Comment: The LDB3 gene has multiple clinically relevant transcripts. This variant occurs in alternate transcript NM_007078.3, and corresponds to NM_001080116.1:c.*33555_*33557del in the primary transcript. This variant, c.2137_2139del, results in the deletion of 1 amino acid(s) of the LDB3 protein (p.Lys713del), but otherwise preserves the integrity of the reading frame. This variant is present in population databases (rs755424680, gnomAD 0.008%). This variant has not been reported in the literature in individuals affected with LDB3-related conditions. Experimental studies and prediction algorithms are not available or were not evaluated, and the functional significance of this variant is currently unknown. In summary, the available evidence is currently insufficient to determine the role of this variant in disease. Therefore, it has been classified as a Variant of Uncertain Significance.

Ambry Genetics
Classification: Uncertain significance for Cardiovascular phenotype. Last evaluated: 2019-03-22. Review status: criteria provided, single submitter. Criteria: Ambry Variant Classification Scheme 2023. Collection method: clinical testing. Allele origin: germline.
Comment: The c.2137_2139delAAG variant (also known as p.K713del) is located in coding exon 13 of the LDB3 gene. This variant results from an in-frame AAG deletion at nucleotide positions 2137 to 2139. This results in the in-frame deletion of a lysine at codon 713. This amino acid position is highly conserved in available vertebrate species. Since supporting evidence is limited at this time, the clinical significance of this alteration remains unclear.